The following is an entry in ClinVar:

NM_170606.3(KMT2C):c.11442G>T (p.Gln3814His)

Gene: KMT2C (lysine methyltransferase 2C; minus strand). Cytogenetic location: 7q36.1.
Variant type: single nucleotide variant.
Coding change: c.11442G>T on transcript NM_170606.3 (MANE Select); coding-DNA position 11442, G replaced by T.
Protein change: p.Gln3814His; replaces glutamine 3814 with histidine.
Molecular consequence: missense variant.
Genome position (GRCh38, 1-based): chr7:152,162,135, C>A on the plus strand (G>T on the coding strand, the complement: KMT2C is on the minus strand). VCF-style: chr7-152162135-C-A. GRCh37 (hg19) VCF-style: chr7-151859220-C-A.
Other names: short protein forms Q3814H.
Identifiers: ClinVar variation 2658201 (VCV002658201.24), dbSNP rs2487683901, ClinGen allele CA370100627.

ClinVar aggregate classification (germline): Uncertain significance (1 of 4 stars; one submission).

Submission:

CeGaT Center for Human Genetics Tuebingen
Classification: Uncertain significance. Last evaluated: 2023-01-01. Review status: criteria provided, single submitter. Criteria: CeGaT Center For Human Genetics Tuebingen Variant Classification Criteria Version 2. Collection method: clinical testing. Allele origin: germline. Affected: yes. Observed: 1 variant allele.
Comment: KMT2C: PM2